The following is an entry in ClinVar:

NM_138576.4(BCL11B):c.2507G>A (p.Ser836Asn)

Gene: BCL11B (BCL11 transcription factor B; minus strand). Cytogenetic location: 14q32.2.
Variant type: single nucleotide variant.
Coding change: c.2507G>A on transcript NM_138576.4 (MANE Select); coding-DNA position 2507, G replaced by A.
Protein change: p.Ser836Asn; replaces serine 836 with asparagine.
Molecular consequence: missense variant.
Genome position (GRCh38, 1-based): chr14:99,174,329, C>T on the plus strand (G>A on the coding strand, the complement: BCL11B is on the minus strand). VCF-style: chr14-99174329-C-T. GRCh37 (hg19) VCF-style: chr14-99640666-C-T.
Other names: c.2507G>A (NM_138576.3); c.2504G>A, p.Ser835Asn (NM_001282237.2); c.2291G>A, p.Ser764Asn (NM_001282238.2); c.2294G>A, p.Ser765Asn (NM_022898.3); short protein forms S764N, S765N, S835N, S836N.
Identifiers: ClinVar variation 1164020 (VCV001164020.42), dbSNP rs2139752892, ClinGen allele CA390933062.
Genomic context (GRCh38, chr14:99,174,329, plus strand): 5'-CAGCGGTACACCTCCTTGCCGATCTGCCCGTGCGTCTTCATGTGGCGCGTGAGCTTGCTG[C>T]TCTGCGCGCACGCGTAGTTGCACAGCTCGCACTTGTAAGGCCGCTCGCCGGTGTGGCTCC-3'
Protein context (NP_612808.1, residues 826-846): CELCNYACAQ[Ser836Asn]SKLTRHMKTH

ClinVar aggregate classification (germline): Conflicting classifications of pathogenicity. Review status: criteria provided, conflicting classifications (1 of 4 stars). 6 submissions from 6 submitters: Pathogenic (2); Likely pathogenic (2); Uncertain significance (1). 1 of the submissions does not count toward it. Last evaluated 2025-05-07.

Conditions:
BCL11B-related disorder. Also called: BCL11B-Related Disorders.
Intellectual developmental disorder with speech delay, dysmorphic facies, and t-cell abnormalities. Also called: BCL11B-related BAFopathy. Identifiers: Orphanet 662829, MedGen C4748152, MONDO:0060763, OMIM 618092.

Submissions (6):

GeneDx
Classification: Pathogenic. Last evaluated: 2025-05-07. Review status: criteria provided, single submitter. Criteria: GeneDx Variant Classification Process June 2021. Collection method: clinical testing. Allele origin: germline. Affected: yes.
Comment: Published functional studies demonstrate that this variant results in impaired DNA-binding affinity (PMID: 39798569); Not observed at significant frequency in large population cohorts (gnomAD); In silico analysis supports that this missense variant has a deleterious effect on protein structure/function; This variant is associated with the following publications: (PMID: 34580403, 39798569)

Women's Health and Genetics/Laboratory Corporation of America, LabCorp
Classification: Pathogenic for BCL11B-Related Disorders. Last evaluated: 2025-02-25. Review status: criteria provided, single submitter. Criteria: LabCorp Variant Classification Summary - May 2015. Collection method: clinical testing. Allele origin: germline.
Comment: Variant summary: BCL11B c.2507G>A (p.Ser836Asn) results in a conservative amino acid change located in the C2H2 zinc finger domain (IPR056438) of the encoded protein sequence. Three of five in-silico tools predict a damaging effect of the variant on protein function. The variant was absent in 250178 control chromosomes. c.2507G>A has been reported as a heterozgyous de novo occurance in individuals with clinical features of with BCL11B-Related Disorders (Pode-Shakked, Labcorp). The following publication(s) have been ascertained in the context of this evaluation (PMID: 34580403). ClinVar contains an entry for this variant (Variation ID: 1164020). Based on the evidence outlined above, the variant was classified as pathogenic.

Labcorp Genetics (formerly Invitae), Labcorp
Classification: Uncertain significance. Last evaluated: 2023-10-29. Review status: criteria provided, single submitter. Criteria: Invitae Variant Classification Sherloc (09022015). Collection method: clinical testing. Allele origin: germline.
Comment: This sequence change replaces serine, which is neutral and polar, with asparagine, which is neutral and polar, at codon 836 of the BCL11B protein (p.Ser836Asn). This variant is not present in population databases (gnomAD no frequency). This missense change has been observed in individual(s) with clinical features of BCL11B-related features (PMID: 34580403). ClinVar contains an entry for this variant (Variation ID: 1164020). Advanced modeling of protein sequence and biophysical properties (such as structural, functional, and spatial information, amino acid conservation, physicochemical variation, residue mobility, and thermodynamic stability) has been performed at Invitae for this missense variant, however the output from this modeling did not meet the statistical confidence thresholds required to predict the impact of this variant on BCL11B protein function. In summary, the available evidence is currently insufficient to determine the role of this variant in disease. Therefore, it has been classified as a Variant of Uncertain Significance.

CeGaT Center for Human Genetics Tuebingen
Classification: Likely pathogenic. Last evaluated: 2021-08-01. Review status: criteria provided, single submitter. Criteria: CeGaT Center For Human Genetics Tuebingen Variant Classification Criteria Version 2. Collection method: clinical testing. Allele origin: germline. Affected: yes. Observed: 1 variant allele.

Kasturba Medical College, Manipal, Kasturba Medical College, Manipal, Manipal Academy of Higher Education, Manipal, India
Classification: Likely pathogenic for BCL11B-related disorder. Review status: criteria provided, single submitter. Criteria: ACMG Guidelines, 2015. Collection method: clinical testing. Allele origin: de novo. Inheritance: Autosomal dominant inheritance. Affected: yes. Observed: 1 heterozygote.

Pediatric Genetics Clinic, Sheba Medical Center
Classification: Likely pathogenic for Intellectual developmental disorder with speech delay, dysmorphic facies, and t-cell abnormalities. Last evaluated: 2021-05-13. Review status: no assertion criteria provided. Collection method: clinical testing. Allele origin: de novo. Affected: yes. Observed: 1 heterozygote. Not counted in ClinVar's aggregate classification.

Literature cited by the submitters: PubMed 34580403 (cited by Women's Health and Genetics/Laboratory Corporation of America, LabCorp and Labcorp Genetics (formerly Invitae), Labcorp); DOI 10.1002/ajmg.a.63330 (cited by Kasturba Medical College, Manipal, Kasturba Medical College, Manipal, Manipal Academy of Higher Education, Manipal, India).